The following is an entry in ClinVar:

ClinVar aggregate classification (germline): Uncertain significance (1 of 4 stars; one submission).

Conditions:
Hereditary cancer-predisposing syndrome. Also called: Hereditary neoplastic syndrome; Hereditary Cancer Syndrome; Neoplastic Syndromes, Hereditary; Tumor predisposition. Identifiers: Orphanet 140162, MedGen C0027672, MeSH D009386, MONDO:0015356.

Submission:

Color Diagnostics, LLC DBA Color Health
Classification: Uncertain significance for Hereditary cancer-predisposing syndrome. Last evaluated: 2024-03-07. Review status: criteria provided, single submitter. Criteria: ACMG Guidelines, 2015. Collection method: clinical testing. Allele origin: germline.
Comment: This missense variant replaces valine with alanine at codon 2651 of the APC protein. Computational prediction suggests that this variant may not impact protein structure and function (internally defined REVEL score threshold <= 0.5, PMID: 27666373). To our knowledge, functional studies have not been reported for this variant. This variant has not been reported in individuals affected with hereditary cancer in the literature. This variant has not been identified in the general population by the Genome Aggregation Database (gnomAD). The available evidence is insufficient to determine the role of this variant in disease conclusively. Therefore, this variant is classified as a Variant of Uncertain Significance.

NM_000038.6(APC):c.7952T>C (p.Val2651Ala)

Gene: APC (APC regulator of Wnt signaling pathway; plus strand). Cytogenetic location: 5q22.2.
Variant type: single nucleotide variant.
Coding change: c.7952T>C on transcript NM_000038.6 (MANE Select); coding-DNA position 7952, T replaced by C.
Protein change: p.Val2651Ala; replaces valine 2651 with alanine.
Molecular consequence: missense variant. On other transcripts: non-coding transcript variant (2).
Genome position (GRCh38, 1-based): chr5:112,843,546, T>C. VCF-style: chr5-112843546-T-C. GRCh37 (hg19) VCF-style: chr5-112179243-T-C.
Other names: c.7952T>C, p.Val2651Ala (NM_001127510.3, NM_001354895.2, NM_001407450.1); c.7898T>C, p.Val2633Ala (NM_001127511.3); c.8006T>C, p.Val2669Ala (NM_001354896.2, NM_001407447.1, NM_001407448.1 and 1 more transcripts); c.7982T>C, p.Val2661Ala (NM_001354897.2); c.7877T>C, p.Val2626Ala (NM_001354898.2); c.7868T>C, p.Val2623Ala (NM_001354899.2); c.7829T>C, p.Val2610Ala (NM_001354900.2); c.7775T>C, p.Val2592Ala (NM_001354901.2, NM_001407453.1); and 11 more; short protein forms V2550A, V2623A, V2651A, V2669A, V2267A, V2368A, V2491A, V2633A.
Identifiers: ClinVar variation 2773680 (VCV002773680.2), dbSNP rs2149996861, ClinGen allele CA16038600.